The following is an entry in ClinVar:

NM_144666.3(DNHD1):c.8859A>C (p.Thr2953=)

Gene: DNHD1 (dynein heavy chain domain 1; plus strand). Cytogenetic location: 11p15.4.
Variant type: single nucleotide variant.
Coding change: c.8859A>C on transcript NM_144666.3 (MANE Select); coding-DNA position 8859, A replaced by C.
Protein change: p.Thr2953=; no amino-acid change (threonine 2953 retained).
Molecular consequence: synonymous variant.
Genome position (GRCh38, 1-based): chr11:6,558,154, A>C. VCF-style: chr11-6558154-A-C. GRCh37 (hg19) VCF-style: chr11-6579384-A-C.
Identifiers: ClinVar variation 3053434 (VCV003053434.2), dbSNP rs1460597366, ClinGen allele CA472917664.

ClinVar aggregate classification (germline): Likely benign (0 of 4 stars; one submission).

Conditions:
DNHD1-related disorder. Also called: DNHD1-related condition.

Allele frequency attached by ClinVar (database versions not stated): gnomAD 0.00001.
gnomAD v4.1: 2 of 1,541,582 alleles (0.00013%); highest among the groups gnomAD compares: African/African-American, 0.0029%; no homozygotes.

Submission:

PreventionGenetics, part of Exact Sciences
Classification: Likely benign for DNHD1-related condition. Last evaluated: 2019-08-22. Review status: no assertion criteria provided. Collection method: clinical testing. Allele origin: germline.
Comment: This variant is classified as likely benign based on ACMG/AMP sequence variant interpretation guidelines (Richards et al. 2015 PMID: 25741868, with internal and published modifications).